The following is an entry in ClinVar:

NM_144670.6(A2ML1):c.3697G>A (p.Gly1233Arg)

Gene: A2ML1 (alpha-2-macroglobulin like 1; plus strand). Cytogenetic location: 12p13.31.
Variant type: single nucleotide variant.
Coding change: c.3697G>A on transcript NM_144670.6 (MANE Select); coding-DNA position 3697, G replaced by A.
Protein change: p.Gly1233Arg; replaces glycine 1233 with arginine.
Molecular consequence: missense variant.
Genome position (GRCh38, 1-based): chr12:8,863,988, G>A. VCF-style: chr12-8863988-G-A. GRCh37 (hg19) VCF-style: chr12-9016584-G-A.
Other names: c.3697G>A (NM_144670.3); c.2224G>A, p.Gly742Arg (NM_001282424.3); short protein forms G1233R, G742R.
Identifiers: ClinVar variation 1389141 (VCV001389141.9), dbSNP rs375981985, ClinGen allele CA6436447.
Genomic context (GRCh38, chr12:8,863,988, plus strand): 5'-AAGGAGATAGCGAAGGCCACTAGCATAGTGGCTTGGTTGGCCAAGCAACACAATGCATAT[G>A]GGGGCTTCTCTTCTACTCAGGTAAACAGCCTGTTCTCCCACTGCCACTTATCAGGTAGAA-3'
Protein context (NP_653271.3, residues 1223-1243): AWLAKQHNAY[Gly1233Arg]GFSSTQDTVV

ClinVar aggregate classification (germline): Uncertain significance. Review status: criteria provided, multiple submitters, no conflicts (2 of 4 stars). 2 submissions from 2 submitters: Uncertain significance (2). Last evaluated 2025-10-29.

Allele frequency attached by ClinVar (database versions not stated): ExAC 0.00002; gnomAD 0.00002; gnomAD exomes 0.00002; TOPMed 0.00003; ESP Exome Variant Server 0.00008.
gnomAD v4.1: 109 of 1,611,984 alleles (0.0068%); highest among the groups gnomAD compares: Non-Finnish European, 0.0092%; no homozygotes.

Submissions (2):

Ambry Genetics
Classification: Uncertain significance. Last evaluated: 2025-10-29. Review status: criteria provided, single submitter. Criteria: Ambry Variant Classification Scheme 2023. Collection method: clinical testing. Allele origin: germline.

Labcorp Genetics (formerly Invitae), Labcorp
Classification: Uncertain significance. Last evaluated: 2025-10-13. Review status: criteria provided, single submitter. Criteria: Invitae Variant Classification Sherloc (09022015). Collection method: clinical testing. Allele origin: germline.
Comment: This sequence change replaces glycine, which is neutral and non-polar, with arginine, which is basic and polar, at codon 1233 of the A2ML1 protein (p.Gly1233Arg). This variant is present in population databases (rs375981985, gnomAD 0.005%). This variant has not been reported in the literature in individuals affected with A2ML1-related conditions. ClinVar contains an entry for this variant (Variation ID: 1389141). An algorithm developed to predict the effect of missense changes on protein structure and function (PolyPhen-2) suggests that this variant is likely to be disruptive. In summary, the available evidence is currently insufficient to determine the role of this variant in disease. Therefore, it has been classified as a Variant of Uncertain Significance.